The following is an entry in ClinVar:

NM_001353345.2(SETD1B):c.5469+8C>T

Gene: SETD1B (SET domain containing 1B, histone lysine methyltransferase; plus strand). Cytogenetic location: 12q24.31.
Variant type: single nucleotide variant.
Coding change: c.5469+8C>T on transcript NM_001353345.2 (MANE Select); 8 bases into the intron after coding-DNA position 5469, C replaced by T.
Molecular consequence: intron variant.
Genome position (GRCh38, 1-based): chr12:121,827,658, C>T. VCF-style: chr12-121827658-C-T. GRCh37 (hg19) VCF-style: chr12-122265564-C-T.
Identifiers: ClinVar variation 5040814 (VCV005040814.1).

ClinVar aggregate classification (germline): Likely benign (1 of 4 stars; one submission).

gnomAD v4.1: 103 of 1,551,562 alleles (0.0066%); highest among the groups gnomAD compares: Admixed American, 0.016%; 1 homozygote.

Submission:

CeGaT Center for Human Genetics Tuebingen
Classification: Likely benign. Last evaluated: 2026-09-01. Review status: criteria provided, single submitter. Criteria: CeGaT Center For Human Genetics Tuebingen Variant Classification Criteria Version 2. Collection method: clinical testing. Allele origin: germline. Affected: yes. Observed: 1 variant allele.
Comment: SETD1B: BP4, BS2